The following is an entry in ClinVar:

NM_152564.5(VPS13B):c.3082G>T (p.Glu1028Ter)

Gene: VPS13B (vacuolar protein sorting 13 homolog B; plus strand). Cytogenetic location: 8q22.2.
Variant type: single nucleotide variant.
Coding change: c.3082G>T on transcript NM_152564.5 (MANE Select); coding-DNA position 3082, G replaced by T.
Protein change: p.Glu1028Ter; replaces glutamic acid 1028 with a stop codon.
Molecular consequence: nonsense.
Genome position (GRCh38, 1-based): chr8:99,391,704, G>T. VCF-style: chr8-99391704-G-T. GRCh37 (hg19) VCF-style: chr8-100403932-G-T.
Other names: c.3082G>T, p.Glu1028Ter (NM_017890.5); short protein forms E1028*.
Identifiers: ClinVar variation 5012903 (VCV005012903.1).

ClinVar aggregate classification (germline): Pathogenic (1 of 4 stars; one submission).

Conditions:
Cohen syndrome (COH1). Also called: PEPPER SYNDROME; Cutis verticis gyrata, retinitis pigmentosa, and sensorineural deafness. Identifiers: Orphanet 193, MedGen C0265223, MONDO:0008999, OMIM 216550.

gnomAD v4.1: 4 of 1,613,916 alleles (0.00025%); highest among the groups gnomAD compares: Non-Finnish European, 0.00034%; no homozygotes.

Submission:

Myriad Genetics, Inc.
Classification: Pathogenic for Cohen syndrome. Last evaluated: 2024-04-07. Review status: criteria provided, single submitter. Criteria: Myriad Autosomal Dominant, Autosomal Recessive and X-Linked Classification Criteria (2023). Collection method: clinical testing. Allele origin: unknown.
Comment: NM_017890.4(VPS13B):c.3082G>T(E1028*) is expected to be pathogenic in the context of Cohen syndrome. This variant is predicted to lead to an abnormal or absent protein product due to the creation of a premature termination codon in VPS13B, a gene where loss-of-function variants are known to be pathogenic. Please note: this variant was assessed in the context of healthy population screening.